The following is an entry in ClinVar:

NM_001276270.2(MBD4):c.1545T>A (p.Asp515Glu)

Gene: MBD4 (methyl-CpG binding domain 4, DNA glycosylase; minus strand). Cytogenetic location: 3q21.3.
Variant type: single nucleotide variant.
Coding change: c.1545T>A on transcript NM_001276270.2 (MANE Select); coding-DNA position 1545, T replaced by A.
Protein change: p.Asp515Glu; replaces aspartic acid 515 with glutamic acid.
Molecular consequence: missense variant.
Genome position (GRCh38, 1-based): chr3:129,432,605, A>T on the plus strand (T>A on the coding strand, the complement: MBD4 is on the minus strand). VCF-style: chr3-129432605-A-T. GRCh37 (hg19) VCF-style: chr3-129151448-A-T.
Other names: c.1563T>A, p.Asp521Glu (NM_001276271.2, NM_001276272.2, NM_003925.3); c.609T>A, p.Asp203Glu (NM_001276273.2); short protein forms D203E, D515E, D521E.
Identifiers: ClinVar variation 2784606 (VCV002784606.3), dbSNP rs2072371010, ClinGen allele CA354465066.

ClinVar aggregate classification (germline): Uncertain significance (1 of 4 stars; one submission).

Submission:

Labcorp Genetics (formerly Invitae), Labcorp
Classification: Uncertain significance. Last evaluated: 2025-07-13. Review status: criteria provided, single submitter. Criteria: Invitae Variant Classification Sherloc (09022015). Collection method: clinical testing. Allele origin: germline.
Comment: This sequence change replaces aspartic acid, which is acidic and polar, with glutamic acid, which is acidic and polar, at codon 521 of the MBD4 protein (p.Asp521Glu). This variant is not present in population databases (gnomAD no frequency). This variant has not been reported in the literature in individuals affected with MBD4-related conditions. ClinVar contains an entry for this variant (Variation ID: 2784606). An algorithm developed to predict the effect of missense changes on protein structure and function (PolyPhen-2) suggests that this variant is likely to be disruptive. Algorithms developed to predict the effect of sequence changes on RNA splicing suggest that this variant may create or strengthen a splice site. In summary, the available evidence is currently insufficient to determine the role of this variant in disease. Therefore, it has been classified as a Variant of Uncertain Significance.